The following is an entry in ClinVar:

ClinVar aggregate classification (germline): Likely benign (1 of 4 stars; one submission).

Allele frequency attached by ClinVar (database versions not stated): ExAC 0.00002; 1000 Genomes Project 30x 0.00047; 1000 Genomes Project 0.00060.
gnomAD v4.1: 9 of 1,614,156 alleles (0.00056%); highest among the groups gnomAD compares: African/African-American, 0.008%; no homozygotes.

Submission:

CeGaT Center for Human Genetics Tuebingen
Classification: Likely benign. Last evaluated: 2022-06-01. Review status: criteria provided, single submitter. Criteria: CeGaT Center For Human Genetics Tuebingen Variant Classification Criteria Version 2. Collection method: clinical testing. Allele origin: germline. Affected: yes. Observed: 1 variant allele.
Comment: CCDC142: BP4, BP7

NM_001365575.2(CCDC142):c.1056A>T (p.Ala352=)

Gene: CCDC142 (coiled-coil domain containing 142; minus strand). Cytogenetic location: 2p13.1.
Variant type: single nucleotide variant.
Coding change: c.1056A>T on transcript NM_001365575.2 (MANE Select); coding-DNA position 1056, A replaced by T.
Protein change: p.Ala352=; no amino-acid change (alanine 352 retained).
Molecular consequence: synonymous variant.
Genome position (GRCh38, 1-based): chr2:74,481,504, T>A on the plus strand (A>T on the coding strand, the complement: CCDC142 is on the minus strand). VCF-style: chr2-74481504-T-A. GRCh37 (hg19) VCF-style: chr2-74708631-T-A.
Other names: c.1056A>T, p.Ala352= (NM_032779.4).
Identifiers: ClinVar variation 2651074 (VCV002651074.24), dbSNP rs201858779, ClinGen allele CA1725654.
Genomic context (GRCh38, chr2:74,481,504, plus strand): 5'-CTTCTCACCTTGGTCCCAGCTCCAGATAAGCGACTGATGAAGTAGTCTGTGACACAAAGA[T>A]GCCAGCTCCTTCTCACACTCCTGAGGCAGGGATGCTAGTGGGAGAAATGACTCTGGGGCC-3'
Protein context (NP_001352504.1, residues 342-362): SLPQECEKEL[Ala352=]SLCHRLLHQS